The following is an entry in ClinVar:

NM_001363705.2(UBR2):c.1281+1947_1281+1948insATATATTTTTTTT

Gene: UBR2 (ubiquitin protein ligase E3 component n-recognin 2; plus strand). Cytogenetic location: 6p21.1.
Variant type: Microsatellite.
Coding change: c.1281+1947_1281+1948insATATATTTTTTTT on transcript NM_001363705.2 (MANE Select); bases 1947 to 1948 of the intron after coding-DNA position 1281, ATATATTTTTTTT inserted.
Molecular consequence: intron variant.
Genome position: GRCh38 VCF-style: chr6-42619453-A-ATATATATTTTTTT. GRCh37 (hg19) VCF-style: chr6-42587191-A-ATATATATTTTTTT.
Other names: c.1281+2116_1281+2117insATATATTTTTTTT (NM_015255.3); c.1282-14_1282-13insATATATTTTTTTT (NM_001184801.2).
Identifiers: ClinVar variation 2656556 (VCV002656556.24).

ClinVar aggregate classification (germline): Likely benign (1 of 4 stars; one submission).

Submission:

CeGaT Center for Human Genetics Tuebingen
Classification: Likely benign. Last evaluated: 2022-12-01. Review status: criteria provided, single submitter. Criteria: CeGaT Center For Human Genetics Tuebingen Variant Classification Criteria Version 2. Collection method: clinical testing. Allele origin: germline. Affected: yes. Observed: 1 variant allele.
Comment: UBR2: BS2